The following is an entry in ClinVar:

NM_001267550.2(TTN):c.10001T>C (p.Val3334Ala)

Gene: TTN (titin; minus strand). Cytogenetic location: 2q31.2.
Variant type: single nucleotide variant.
Coding change: c.10001T>C on transcript NM_001267550.2 (MANE Select); coding-DNA position 10001, T replaced by C.
Protein change: p.Val3334Ala; replaces valine 3334 with alanine.
Molecular consequence: missense variant.
Genome position (GRCh38, 1-based): chr2:178,764,290, A>G on the plus strand (T>C on the coding strand, the complement: TTN is on the minus strand). VCF-style: chr2-178764290-A-G. GRCh37 (hg19) VCF-style: chr2-179629017-A-G.
Other names: c.10001T>C, p.Val3334Ala (NM_133379.5, NM_001256850.1, NM_133378.4); c.9863T>C, p.Val3288Ala (NM_133432.3, NM_133437.4, NM_003319.4); short protein forms V3288A, V3334A.
Identifiers: ClinVar variation 4533731 (VCV004533731.7).
Genomic context (GRCh38, chr2:178,764,290, plus strand): 5'-GTGTCCTGAAGCGGGGTGATGATGGCAGGTGGATAAACAGGCATTTCCTGATCAGGAGAC[A>G]CAACTTCTGGAACTAAAGAAAGAAACCACAAGATTTGTCATGATTAAGTCACCATAGAGA-3'
Protein context (NP_001254479.2, residues 3324-3344): ASLSVEVPEV[Val3334Ala]SPDQEMPVYP

ClinVar aggregate classification (germline): Uncertain significance. Review status: criteria provided, multiple submitters, no conflicts (2 of 4 stars). 2 submissions from 2 submitters: Uncertain significance (2). Last evaluated 2025-11-01.

gnomAD v4.1: 24 of 1,614,054 alleles (0.0015%); highest among the groups gnomAD compares: Non-Finnish European, 0.0018%; 1 homozygote.

Submissions (2):

CeGaT Center for Human Genetics Tuebingen
Classification: Uncertain significance. Last evaluated: 2025-11-01. Review status: criteria provided, single submitter. Criteria: CeGaT Center For Human Genetics Tuebingen Variant Classification Criteria Version 2. Collection method: clinical testing. Allele origin: germline. Affected: yes. Observed: 1 variant allele.
Comment: TTN: PM2, BP4

Blueprint Genetics
Classification: Uncertain significance. Last evaluated: 2024-09-18. Review status: criteria provided, single submitter. Criteria: ACMG Guidelines, 2015. Collection method: clinical testing. Allele origin: germline.